The following is an entry in ClinVar:

NM_004369.4(COL6A3):c.6604C>T (p.Arg2202Ter)

Gene: COL6A3 (collagen type VI alpha 3 chain; minus strand). Cytogenetic location: 2q37.3.
Variant type: single nucleotide variant.
Coding change: c.6604C>T on transcript NM_004369.4 (MANE Select); coding-DNA position 6604, C replaced by T.
Protein change: p.Arg2202Ter; replaces arginine 2202 with a stop codon.
Molecular consequence: nonsense.
Genome position (GRCh38, 1-based): chr2:237,354,922, G>A on the plus strand (C>T on the coding strand, the complement: COL6A3 is on the minus strand). VCF-style: chr2-237354922-G-A. GRCh37 (hg19) VCF-style: chr2-238263565-G-A.
Other names: c.4783C>T, p.Arg1595Ter (NM_057166.5); c.5986C>T, p.Arg1996Ter (NM_057167.4); short protein forms R2202*, R1595*, R1996*.
Identifiers: ClinVar variation 429825 (VCV000429825.14), dbSNP rs774115247, ClinGen allele CA351213744.

ClinVar aggregate classification (germline): Pathogenic/Likely pathogenic. Review status: criteria provided, multiple submitters, no conflicts (2 of 4 stars). 4 submissions from 4 submitters: Pathogenic (2); Likely pathogenic (2). Last evaluated 2025-10-06.

Conditions:
COL6A3-related disorder. Also called: COL6A3-related disorders; COL6A3-related condition.
Bethlem myopathy 1A. Also called: MYOPATHY, BENIGN CONGENITAL, WITH CONTRACTURES; Bethlem myopathy 1; Bethlem Muscular Dystrophy. Identifiers: Orphanet 610, MedGen CN029274, MONDO:0024530, OMIM 158810.

Allele frequency attached by ClinVar (database versions not stated): TOPMed below 0.00001; gnomAD 0.00001.
gnomAD v4.1: 3 of 1,613,710 alleles (0.00019%); highest among the groups gnomAD compares: East Asian, 0.0022%; no homozygotes.

Submissions (4):

3billion
Classification: Pathogenic for COL6A3-related disorder. Last evaluated: 2025-10-06. Review status: criteria provided, single submitter. Criteria: ACMG Guidelines, 2015. Collection method: clinical testing. Allele origin: germline. Affected: yes.
Comment: The variant is observed at an extremely low frequency in the gnomAD v4.1.0 dataset (total allele frequency: <0.001%). Predicted Consequence/Location: Stop-gained (nonsense): predicted to result in a loss or disruption of normal protein function through nonsense-mediated decay (NMD) or protein truncation. Multiple pathogenic variants are reported downstream of the variant. The variant has been reported at least twice as pathogenic without evidence for the classification (ClinVar ID: VCV000429825 /PMID: 28688748 /3billion dataset). Therefore, this variant is classified as Pathogenic according to the recommendation of ACMG/AMP guideline.

GeneDx
Classification: Likely pathogenic. Last evaluated: 2025-09-28. Review status: criteria provided, single submitter. Criteria: GeneDx Variant Classification Process June 2021. Collection method: clinical testing. Allele origin: germline. Affected: yes.
Comment: Identified in a patient with an unknown muscle phenotype referred for congenital muscular dystrophy genetic testing in published literature, but clinical information was not provided (PMID: 28688748); Nonsense variant predicted to result in protein truncation or nonsense mediated decay in a gene for which loss of function is a known mechanism of disease; Not observed at significant frequency in large population cohorts (gnomAD); This variant is associated with the following publications: (PMID: 28688748)

Blueprint Genetics
Classification: Likely pathogenic for COL6A3-related disorders. Last evaluated: 2024-05-14. Review status: criteria provided, single submitter. Criteria: ACMG Guidelines, 2015. Collection method: clinical testing. Allele origin: germline. Affected: yes. Observed: 1 variant allele.

Labcorp Genetics (formerly Invitae), Labcorp
Classification: Pathogenic for Bethlem myopathy 1A. Last evaluated: 2022-06-20. Review status: criteria provided, single submitter. Criteria: Invitae Variant Classification Sherloc (09022015). Collection method: clinical testing. Allele origin: germline.
Comment: This sequence change creates a premature translational stop signal (p.Arg2202*) in the COL6A3 gene. It is expected to result in an absent or disrupted protein product. Loss-of-function variants in COL6A3 are known to be pathogenic (PMID: 26004199). This variant has not been reported in the literature in individuals affected with COL6A3-related conditions. ClinVar contains an entry for this variant (Variation ID: 429825). For these reasons, this variant has been classified as Pathogenic. This variant is not present in population databases (gnomAD no frequency).

Literature cited by the submitters: PubMed 28688748 (cited by 3billion); PubMed 26004199 (cited by Labcorp Genetics (formerly Invitae), Labcorp).